The following is an entry in ClinVar:

ClinVar aggregate classification (germline): Uncertain significance (1 of 4 stars; one submission).

Conditions:
Inborn genetic diseases. Identifiers: MedGen C0950123, MeSH D030342.

Allele frequency attached by ClinVar (database versions not stated): gnomAD exomes below 0.00001; gnomAD 0.00001; TOPMed 0.00003.
gnomAD v4.1: 4 of 1,613,984 alleles (0.00025%); highest among the groups gnomAD compares: Non-Finnish European, 0.00034%; no homozygotes.

Submission:

Ambry Genetics
Classification: Uncertain significance for Inborn genetic diseases. Last evaluated: 2021-04-08. Review status: criteria provided, single submitter. Criteria: Ambry Variant Classification Scheme 2023. Collection method: clinical testing. Allele origin: germline.
Comment: The p.R175K variant (also known as c.524G>A), located in coding exon 5 of the VAPB gene, results from a G to A substitution at nucleotide position 524. The arginine at codon 175 is replaced by lysine, an amino acid with highly similar properties. This amino acid position is highly conserved in available vertebrate species. In addition, this alteration is predicted to be tolerated by in silico analysis. Since supporting evidence is limited at this time, the clinical significance of this alteration remains unclear.

NM_004738.5(VAPB):c.524G>A (p.Arg175Lys)

Gene: VAPB (VAMP associated protein B and C; plus strand). Cytogenetic location: 20q13.32.
Variant type: single nucleotide variant.
Coding change: c.524G>A on transcript NM_004738.5 (MANE Select); coding-DNA position 524, G replaced by A.
Protein change: p.Arg175Lys; replaces arginine 175 with lysine.
Molecular consequence: missense variant. On other transcripts: non-coding transcript variant (1), intron variant (1).
Genome position (GRCh38, 1-based): chr20:58,441,034, G>A. VCF-style: chr20-58441034-G-A. GRCh37 (hg19) VCF-style: chr20-57016090-G-A.
Other names: c.212-3043G>A (NM_001195677.2); short protein forms R175K.
Identifiers: ClinVar variation 1746348 (VCV001746348.2), dbSNP rs1279505552, ClinGen allele CA409439778.